The following is an entry in ClinVar:

NM_001042492.3(NF1):c.479+5G>T

Gene: NF1 (neurofibromin 1; plus strand). Cytogenetic location: 17q11.2.
Variant type: single nucleotide variant.
Coding change: c.479+5G>T on transcript NM_001042492.3 (MANE Select); 5 bases into the intron after coding-DNA position 479, G replaced by T.
Molecular consequence: intron variant.
Genome position (GRCh38, 1-based): chr17:31,163,381, G>T. VCF-style: chr17-31163381-G-T. GRCh37 (hg19) VCF-style: chr17-29490399-G-T.
Other names: c.479+5G>T (NM_000267.4, NM_001128147.3).
Identifiers: ClinVar variation 931310 (VCV000931310.9), dbSNP rs1567818033, ClinGen allele CA1139665356.
Genomic context (GRCh38, chr17:31,163,381, plus strand): 5'-TTATTTTCTCTCAGCTGCAACAACTTCAATGCAGTCTTTAGTCGCATTTCTACCAGGTTA[G>T]TGTGTAAATCCACATGGGACTACTGAAGTAATATGAATATTAGAAGTTTTGTTTTTTGTC-3'

ClinVar aggregate classification (germline): Conflicting classifications of pathogenicity. Review status: criteria provided, conflicting classifications (1 of 4 stars). 2 submissions from 2 submitters: Likely pathogenic (1); Uncertain significance (1). Last evaluated 2023-11-18.

Conditions:
Neurofibromatosis, type 1 (NF1). Also called: VON RECKLINGHAUSEN DISEASE; Peripheral type neurofibromatosis; Neurofibromatosis, type I; NEUROFIBROMATOSIS, TYPE I, SOMATIC. Identifiers: Orphanet 636, MedGen C0027831, MONDO:0018975, OMIM 162200. Disease mechanism: loss of function.

Submissions (2):

Labcorp Genetics (formerly Invitae), Labcorp
Classification: Likely pathogenic for Neurofibromatosis, type 1. Last evaluated: 2023-11-18. Review status: criteria provided, single submitter. Criteria: Invitae Variant Classification Sherloc (09022015). Collection method: clinical testing. Allele origin: germline.
Comment: This sequence change falls in intron 4 of the NF1 gene. It does not directly change the encoded amino acid sequence of the NF1 protein. It affects a nucleotide within the consensus splice site. This variant is not present in population databases (gnomAD no frequency). This variant has been observed in individual(s) with clinical features of neurofibromatosis type 1 with breast cancer (PMID: 30530636). ClinVar contains an entry for this variant (Variation ID: 931310). Variants that disrupt the consensus splice site are a relatively common cause of aberrant splicing (PMID: 17576681, 9536098). Algorithms developed to predict the effect of sequence changes on RNA splicing suggest that this variant may disrupt the consensus splice site. This variant disrupts the c.479+5G nucleotide in the NF1 gene. Other variant(s) that disrupt this nucleotide have been determined to be pathogenic (PMID: 23758643, 27322474). This suggests that this nucleotide is clinically significant, and that variants that disrupt this position are likely to be disease-causing. In summary, the currently available evidence indicates that the variant is pathogenic, but additional data are needed to prove that conclusively. Therefore, this variant has been classified as Likely Pathogenic.

Centre for Mendelian Genomics, University Medical Centre Ljubljana
Classification: Uncertain significance for Neurofibromatosis, type 1. Last evaluated: 2020-01-21. Review status: criteria provided, single submitter. Criteria: ACMG Guidelines, 2015. Collection method: clinical testing. Allele origin: unknown. Affected: yes.
Comment: This variant was classified as: Uncertain significance. The available evidence favors the pathogenic nature of this variant, however the currently available data is insufficient to conclusively support its pathogenic nature. Thus this variant is classified as Uncertain significance - favor pathogenic. The following ACMG criteria were applied in classifying this variant: PM2,PP3,PP4.

Literature cited by the submitters: PubMed 30530636 (cited by Labcorp Genetics (formerly Invitae), Labcorp); PubMed 17576681 (cited by Labcorp Genetics (formerly Invitae), Labcorp); PubMed 9536098 (cited by Labcorp Genetics (formerly Invitae), Labcorp); PubMed 23758643 (cited by Labcorp Genetics (formerly Invitae), Labcorp); PubMed 27322474 (cited by Labcorp Genetics (formerly Invitae), Labcorp).